The following is an entry in ClinVar:

ClinVar aggregate classification (germline): Pathogenic/Likely pathogenic. Review status: criteria provided, multiple submitters, no conflicts (2 of 4 stars). 9 submissions from 9 submitters: Pathogenic (5); Likely pathogenic (1). 3 of the submissions do not count toward it. Last evaluated 2025-12-29.

Conditions:
TGM1-related disorder. Also called: TGM1-related condition.
Autosomal recessive congenital ichthyosis 1 (LI1). Also called: COLLODION FETUS; DESQUAMATION OF NEWBORN; ICHTHYOSIS CONGENITA; ICHTHYOSIS CONGENITA II; ICHTHYOSIS, CONGENITAL, AUTOSOMAL RECESSIVE 1, WITH BATHING SUIT DISTRIBUTION; ICHTHYOSIS, CONGENITAL, AUTOSOMAL RECESSIVE 1, WITH OR WITHOUT BATHING SUIT DISTRIBUTION. Identifiers: MedGen C4551630, MONDO:0009441, OMIM 242300.

Allele frequency attached by ClinVar (database versions not stated): TOPMed 0.00001.
gnomAD v4.1: 31 of 1,614,058 alleles (0.0019%); highest among the groups gnomAD compares: African/African-American, 0.0093%; no homozygotes.

Submissions (9):

Natera, Inc.
Classification: Pathogenic for Autosomal recessive congenital ichthyosis type 1. Last evaluated: 2025-12-29. Review status: criteria provided, single submitter. Criteria: Natera Variant Classification Schema (03/2026). Collection method: clinical testing. Allele origin: germline.
Comment: The c.1187G>A variant in TGM1 is a missense variant predicted to cause substitution of arginine to histidine at amino acid 396. This variant is rare in the general population with a frequency below the threshold expected for the associated phenotype(s). This variant has been observed in one or more individuals affected with the associated recessive disease, as either homozygous or compound heterozygous with a second variant (PMID: 24261627, 27025581). Additionally, this variant has been observed to segregate in affected family members (PMID: 27025581). A different variant at the same position has been determined to be Pathogenic or Likely Pathogenic. Computational prediction algorithms indicate this variant is likely to affect gene or protein function. Given the available evidence, this variant is classified as Pathogenic.

Fulgent Genetics
Classification: Pathogenic for Autosomal recessive congenital ichthyosis 1. Last evaluated: 2024-04-25. Review status: criteria provided, single submitter. Criteria: ACMG Guidelines, 2015. Collection method: clinical testing. Allele origin: germline.

Labcorp Genetics (formerly Invitae), Labcorp
Classification: Pathogenic. Last evaluated: 2024-01-11. Review status: criteria provided, single submitter. Criteria: Invitae Variant Classification Sherloc (09022015). Collection method: clinical testing. Allele origin: germline.
Comment: This sequence change replaces arginine, which is basic and polar, with histidine, which is basic and polar, at codon 396 of the TGM1 protein (p.Arg396His). This variant is present in population databases (rs121918721, gnomAD 0.005%). This missense change has been observed in individual(s) with autosomal recessive congenital ichthyosis (PMID: 19500103, 23689228, 26762237, 27025581). In at least one individual the data is consistent with being in trans (on the opposite chromosome) from a pathogenic variant. ClinVar contains an entry for this variant (Variation ID: 39533). Advanced modeling of protein sequence and biophysical properties (such as structural, functional, and spatial information, amino acid conservation, physicochemical variation, residue mobility, and thermodynamic stability) performed at Invitae indicates that this missense variant is expected to disrupt TGM1 protein function with a positive predictive value of 95%. Experimental studies have shown that this missense change affects TGM1 function (PMID: 19500103). For these reasons, this variant has been classified as Pathogenic.

Center for Genomics, Ann and Robert H. Lurie Children's Hospital of Chicago
Classification: Pathogenic for Autosomal recessive congenital ichthyosis 1. Last evaluated: 2022-10-11. Review status: criteria provided, single submitter. Criteria: ACMG Guidelines, 2015. Collection method: clinical testing. Allele origin: germline.
Comment: This variant has been reported in the literature in the homozygous or compound heterozygous states in more than 10 individuals with features consistent with congenital ichthyosis, segregating with disease in at least 4 similarly affected family members (Selected publications: Mazereeuw-Hautier 2009 PMID: 18948357; Rodríguez-Pazos 2011 PMID: 21668430; Al-Naamani 2013 PMID: 23689228; Zambrano 2014 PMID: 24261627; Pigg 2016 PMID: 27025581). This variant is present in the Genome Aggregation Database (Highest reported MAF: 0.01% [2/15272]); please note, disease-causing variants may be present in control databases at low frequencies, reflective of the general population, carrier status, and/or variable expressivity. This variant is also present in ClinVar, with multiple laboratories classifying it as pathogenic or likely pathogenic (Variation ID: 39533). In vitro functional studies suggest that this variant significantly impairs the encoded protein's enzymatic activity (Mazereeuw-Hautier 2009 PMID: 18948357); however, these studies may not accurately represent in vivo biological function. Evolutionary conservation and computational prediction tools similarly strongly suggest that this variant impacts the protein. Furthermore, different variants at the same amino acid position (p.Arg396Cys, p.Arg396Leu, p.Arg396Ser) have all been reported in association with disease in the literature and in ClinVar (Variation IDs: 12487, 633787), further supporting the functional significance of this amino acid position. In summary, this variant is classifed as pathogenic.

Department of Genetics, Sultan Qaboos University Hospital
Classification: Pathogenic for Autosomal recessive congenital ichthyosis 1. Last evaluated: 2017-12-30. Review status: criteria provided, single submitter. Criteria: ACMG Guidelines, 2015. Collection method: curation. Allele origin: unknown. Affected: yes.

Genome-Nilou Lab
Classification: Likely pathogenic for Autosomal recessive congenital ichthyosis 1. Review status: criteria provided, single submitter. Criteria: ACMG Guidelines, 2015. Collection method: clinical testing. Allele origin: germline.

PreventionGenetics, part of Exact Sciences
Classification: Likely pathogenic for TGM1-related condition. Last evaluated: 2024-06-20. Review status: no assertion criteria provided. Collection method: clinical testing. Allele origin: germline. Not counted in ClinVar's aggregate classification.
Comment: The TGM1 c.1187G>A variant is predicted to result in the amino acid substitution p.Arg396His. This variant has been reported in several individuals with autosomal recessive congenital ichthyosis (Farasat et al. 2009. PubMed ID: 18948357; Mazereeuw-Hautier. 2009. PubMed ID: 19500103; Table S1, Hellström Pigg et al. 2016. PubMed ID: 27025581). Other missense substitutions at the same amino acid position (p.Arg396Ser, p.Arg396Cys, p.Arg396Leu) have also been reported to be pathogenic for ichthyosis (Hellström Pigg et al. 2016. PubMed ID: 27025581; Human Gene Mutation Database). The c.1187G>A (p.Arg396His) variant is reported in 0.0050% of alleles in individuals of East Asian descent in gnomAD. This variant is interpreted as likely pathogenic.

Counsyl
Classification: Likely pathogenic for Autosomal recessive congenital ichthyosis 1. Last evaluated: 2017-03-09. Review status: no assertion criteria provided. Collection method: clinical testing. Allele origin: unknown. Not counted in ClinVar's aggregate classification.

OMIM
Classification: Pathogenic for ICHTHYOSIS, CONGENITAL, AUTOSOMAL RECESSIVE 1. Last evaluated: 2009-08-01. Review status: no assertion criteria provided. Collection method: literature only. Allele origin: germline. Not counted in ClinVar's aggregate classification.

Literature cited by the submitters: PubMed 24261627 (cited by Natera, Inc.); PubMed 27025581 (cited by 3 submitters); PubMed 19500103 (cited by 3 submitters); PubMed 23689228 (cited by Labcorp Genetics (formerly Invitae), Labcorp and Counsyl); PubMed 26762237 (cited by Labcorp Genetics (formerly Invitae), Labcorp and Counsyl); PubMed 18948357 (cited by Counsyl); PubMed 25525159 (cited by Counsyl); PubMed 21668430 (cited by Counsyl).

NM_000359.3(TGM1):c.1187G>A (p.Arg396His)

Gene: TGM1 (transglutaminase 1; minus strand). Cytogenetic location: 14q12.
Variant type: single nucleotide variant.
Coding change: c.1187G>A on transcript NM_000359.3 (MANE Select); coding-DNA position 1187, G replaced by A.
Protein change: p.Arg396His; replaces arginine 396 with histidine.
Molecular consequence: missense variant.
Genome position (GRCh38, 1-based): chr14:24,258,646, C>T on the plus strand (G>A on the coding strand, the complement: TGM1 is on the minus strand). VCF-style: chr14-24258646-C-T. GRCh37 (hg19) VCF-style: chr14-24727852-C-T.
Other names: short protein forms R396H.
Identifiers: ClinVar variation 39533 (VCV000039533.23), dbSNP rs121918721, ClinGen allele CA261155.
Genomic context (GRCh38, chr14:24,258,646, plus strand): 5'-TAGATGTCCATGGTAAGGGATGTGTCTGTGTCGTGGGCGGAGTTGAAGTTGGTGACAGTA[C>T]GGGTGGCCAGACCCAGGCAGCGCAGCACTGTGGAGGAGCGAAGGTTGGGGTTCAAGGCAT-3'
Protein context (NP_000350.1, residues 386-406): TVLRCLGLAT[Arg396His]TVTNFNSAHD